The following is an entry in ClinVar:

ClinVar aggregate classification (germline): Benign. Review status: criteria provided, multiple submitters, no conflicts (2 of 4 stars). 14 submissions from 14 submitters: Benign (11). 3 of the submissions do not count toward it. Last evaluated 2026-02-04.

Conditions:
Jeune thoracic dystrophy. Also called: Jeune syndrome; Infantile thoracic dystrophy; Thoracic pelvic phalangeal dystrophy; Jeune's syndrome; Chondroectodermal dysplasia-like syndrome; Short-rib thoracic dysplasia. Identifiers: Orphanet 474, MedGen C0265275, MONDO:0018770.
Asphyxiating thoracic dystrophy 3. Also called: SHORT-RIB THORACIC DYSPLASIA 3 WITH OR WITHOUT POLYDACTYLY; POLYDACTYLY WITH NEONATAL CHONDRODYSTROPHY, TYPE I; SHORT-RIB THORACIC DYSPLASIA 3/6 WITH POLYDACTYLY, DIGENIC; Short rib polydactyly syndrome 2B; Saldino-Noonan Syndrome. Identifiers: Orphanet 474, Orphanet 93269, Orphanet 93270, Orphanet 93271, MedGen C0036069, MONDO:0013127, OMIM 613091.

Allele frequency attached by ClinVar (database versions not stated): 1000 Genomes Project 30x 0.65881; TOPMed 0.66596; gnomAD 0.66697 and 0.67204; 1000 Genomes Project 0.66833; ESP Exome Variant Server 0.67208; ExAC 0.71263; gnomAD exomes 0.72304 and 0.73932.
gnomAD v4.1: 1,052,813 of 1,467,266 alleles (72%); highest among the groups gnomAD compares: Admixed American, 78%; 381,257 homozygotes.

Submissions (14):

Labcorp Genetics (formerly Invitae), Labcorp
Classification: Benign for Jeune thoracic dystrophy. Last evaluated: 2026-02-04. Review status: criteria provided, single submitter. Criteria: Invitae Variant Classification Sherloc (09022015). Collection method: clinical testing. Allele origin: germline.

Women's Health and Genetics/Laboratory Corporation of America, LabCorp
Classification: Benign. Last evaluated: 2026-01-08. Review status: criteria provided, single submitter. Criteria: LabCorp Variant Classification Summary - May 2015. Collection method: clinical testing. Allele origin: germline.

Blueprint Genetics
Classification: Benign. Last evaluated: 2024-11-27. Review status: criteria provided, single submitter. Criteria: ACMG Guidelines, 2015. Collection method: clinical testing. Allele origin: germline.

Mayo Clinic Laboratories, Mayo Clinic
Classification: Benign. Last evaluated: 2023-02-14. Review status: criteria provided, single submitter. Criteria: ACMG Guidelines, 2015. Collection method: clinical testing. Allele origin: germline. Observed: 69 variant alleles.
Comment: BA1

Genome-Nilou Lab
Classification: Benign for Asphyxiating thoracic dystrophy 3. Last evaluated: 2021-07-30. Review status: criteria provided, single submitter. Criteria: ACMG Guidelines, 2015. Collection method: clinical testing. Allele origin: germline. Affected: no.

Mendelics
Classification: Benign for Asphyxiating thoracic dystrophy 3. Last evaluated: 2019-05-28. Review status: criteria provided, single submitter. Criteria: Mendelics Assertion Criteria 2017. Collection method: clinical testing. Allele origin: unknown.

Illumina Laboratory Services, Illumina
Classification: Benign for Asphyxiating thoracic dystrophy 3. Last evaluated: 2018-01-13. Review status: criteria provided, single submitter. Criteria: ICSL Variant Classification Criteria 13 December 2019. Collection method: clinical testing. Allele origin: germline.
Comment: This variant was observed in the ICSL laboratory as part of a predisposition screen in an ostensibly healthy population. It had not been previously curated by ICSL or reported in the Human Gene Mutation Database (HGMD: prior to June 1st, 2018), and was therefore a candidate for classification through an automated scoring system. Utilizing variant allele frequency, disease prevalence and penetrance estimates, and inheritance mode, an automated score was calculated to assess if this variant is too frequent to cause the disease. Based on the score and internal cut-off values, a variant classified as benign is not then subjected to further curation. The score for this variant resulted in a classification of benign for this disease.

Laboratory for Molecular Medicine, Mass General Brigham Personalized Medicine
Classification: Benign. Last evaluated: 2016-03-28. Review status: criteria provided, single submitter. Criteria: LMM Criteria. Collection method: clinical testing. Allele origin: germline.
Comment: Variant identified in a genome or exome case(s) and assessed due to predicted null impact of the variant or pathogenic assertions in the literature or databases. Disclaimer: This variant has not undergone full assessment. The following are preliminary notes: Frequency

GeneDx
Classification: Benign. Last evaluated: 2016-03-03. Review status: criteria provided, single submitter. Criteria: GeneDx Variant Classification (06012015). Collection method: clinical testing. Allele origin: germline. Affected: yes.
Comment: This variant is considered likely benign or benign based on one or more of the following criteria: it is a conservative change, it occurs at a poorly conserved position in the protein, it is predicted to be benign by multiple in silico algorithms, and/or has population frequency not consistent with disease.

Eurofins Ntd Llc (ga)
Classification: Benign. Last evaluated: 2014-06-13. Review status: criteria provided, single submitter. Criteria: EGL Classification Definitions 2015. Collection method: clinical testing. Allele origin: germline. Observed: 2 variant alleles, 2 heterozygotes.

Breakthrough Genomics
Classification: Benign. Review status: criteria provided, single submitter. Criteria: ACMG Guidelines, 2015. Collection method: not provided. Allele origin: germline. Inheritance: Autosomal recessive inheritance. Affected: yes.

Clinical Genetics DNA and cytogenetics Diagnostics Lab, Erasmus MC, Erasmus Medical Center
Classification: Benign. Review status: no assertion criteria provided. Collection method: clinical testing. Allele origin: germline. Affected: yes. Study: VKGL Data-share Consensus. Not counted in ClinVar's aggregate classification.

Diagnostic Laboratory, Department of Genetics, University Medical Center Groningen
Classification: Benign. Review status: no assertion criteria provided. Collection method: clinical testing. Allele origin: germline. Affected: yes. Study: VKGL Data-share Consensus. Not counted in ClinVar's aggregate classification.

Joint Genome Diagnostic Labs from Nijmegen and Maastricht, Radboudumc and MUMC+
Classification: Benign. Review status: no assertion criteria provided. Collection method: clinical testing. Allele origin: germline. Affected: yes. Study: VKGL Data-share Consensus. Not counted in ClinVar's aggregate classification.

NM_001377.3(DYNC2H1):c.4238A>G (p.Lys1413Arg)

Gene: DYNC2H1 (dynein cytoplasmic 2 heavy chain 1; plus strand). Cytogenetic location: 11q22.3.
Variant type: single nucleotide variant.
Coding change: c.4238A>G on transcript NM_001377.3 (MANE Select); coding-DNA position 4238, A replaced by G.
Protein change: p.Lys1413Arg; replaces lysine 1413 with arginine.
Molecular consequence: missense variant.
Genome position (GRCh38, 1-based): chr11:103,158,787, A>G. VCF-style: chr11-103158787-A-G. GRCh37 (hg19) VCF-style: chr11-103029516-A-G.
Other names: c.4238A>G, p.Lys1413Arg (NM_001080463.2); short protein forms K1413R.
Identifiers: ClinVar variation 196009 (VCV000196009.36), dbSNP rs688906, ClinGen allele CA202076.
Genomic context (GRCh38, chr11:103,158,787, plus strand): 5'-CTCATGCTGGAATAAGAAATTCTCTACTAACAATACTTGATCAGCTTCAAAGATGTCAGA[A>G]ATCATTAAATGAATTTTTGGAGGCATGTTTTTTAAGAAAAAAATATATAATAAATTGTAA-3'
Protein context (NP_001368.2, residues 1403-1423): TILDQLQRCQ[Lys1413Arg]SLNEFLEEKR